The following is an entry in ClinVar:

NM_000059.4(BRCA2):c.3845C>G (p.Thr1282Ser)

Gene: BRCA2 (BRCA2 DNA repair associated; plus strand). Cytogenetic location: 13q13.1.
Variant type: single nucleotide variant.
Coding change: c.3845C>G on transcript NM_000059.4 (MANE Select); coding-DNA position 3845, C replaced by G.
Protein change: p.Thr1282Ser; replaces threonine 1282 with serine.
Molecular consequence: missense variant. On other transcripts: non-coding transcript variant (1), intron variant (2).
Genome position (GRCh38, 1-based): chr13:32,338,200, C>G. VCF-style: chr13-32338200-C-G. GRCh37 (hg19) VCF-style: chr13-32912337-C-G.
Other names: c.3845C>G, p.Thr1282Ser (NM_001406719.1, NM_001406720.1); c.1909+4813C>G (NM_001406721.1); c.425-6358C>G (NM_001406722.1); short protein forms T1282S.
Identifiers: ClinVar variation 2774904 (VCV002774904.6), dbSNP rs1555283423, ClinGen allele CA387778593.
Genomic context (GRCh38, chr13:32,338,200, plus strand): 5'-CAAGTAAATGTCATGATTCTGTTGTTTCAATGTTTAAGATAGAAAATCATAATGATAAAA[C>G]TGTAAGTGAAAAAAATAATAAATGCCAACTGATATTACAAAATAATATTGAAATGACTAC-3'
Protein context (NP_000050.3, residues 1272-1292): MFKIENHNDK[Thr1282Ser]VSEKNNKCQL

ClinVar aggregate classification (germline): Uncertain significance. Review status: criteria provided, multiple submitters, no conflicts (2 of 4 stars). 4 submissions from 4 submitters: Uncertain significance (4). Last evaluated 2024-03-06.

Conditions:
Hereditary breast ovarian cancer syndrome. Also called: Hereditary breast and/or ovarian cancer syndrome; Hereditary breast and ovarian cancer syndrome; Hereditary breast and ovarian cancer syndrome (HBOC); Hereditary breast and ovarian cancer; Breast and ovarian cancer; BRCA1- and BRCA2-Associated Hereditary Breast and Ovarian Cancer. Identifiers: Orphanet 145, MedGen C0677776, MeSH D061325, MONDO:0003582. Disease mechanism: loss of function.
Hereditary cancer-predisposing syndrome. Also called: Hereditary Cancer Syndrome; Hereditary neoplastic syndrome; Tumor predisposition; Neoplastic Syndromes, Hereditary. Identifiers: Orphanet 140162, MedGen C0027672, MeSH D009386, MONDO:0015356.
Breast-ovarian cancer, familial, susceptibility to, 2 (BROVCA2). Also called: BRCA2 Hereditary Breast and Ovarian Cancer. Identifiers: Orphanet 145, MedGen C2675520, MONDO:0012933, OMIM 612555. Disease mechanism: loss of function.

Submissions (4):

Labcorp Genetics (formerly Invitae), Labcorp
Classification: Uncertain significance for Hereditary breast ovarian cancer syndrome. Last evaluated: 2024-03-06. Review status: criteria provided, single submitter. Criteria: Invitae Variant Classification Sherloc (09022015). Collection method: clinical testing. Allele origin: germline.
Comment: This sequence change replaces threonine, which is neutral and polar, with serine, which is neutral and polar, at codon 1282 of the BRCA2 protein (p.Thr1282Ser). This variant is not present in population databases (gnomAD no frequency). This variant has not been reported in the literature in individuals affected with BRCA2-related conditions. Advanced modeling of protein sequence and biophysical properties (such as structural, functional, and spatial information, amino acid conservation, physicochemical variation, residue mobility, and thermodynamic stability) performed at Invitae indicates that this missense variant is not expected to disrupt BRCA2 protein function with a negative predictive value of 95%. In summary, the available evidence is currently insufficient to determine the role of this variant in disease. Therefore, it has been classified as a Variant of Uncertain Significance.

All of Us Research Program, National Institutes of Health
Classification: Uncertain significance for Breast-ovarian cancer, familial, susceptibility to, 2. Last evaluated: 2023-11-20. Review status: criteria provided, single submitter. Criteria: ACMG Guidelines, 2015. Collection method: clinical testing. Allele origin: germline. Inheritance: Autosomal dominant inheritance. Observed: 1 variant allele, 1 heterozygote.
Comment: This missense variant replaces threonine with serine at codon 1282 of the BRCA2 protein. Computational prediction suggests that this variant may not impact protein structure and function (internally defined REVEL score threshold <= 0.5, PMID: 27666373). To our knowledge, functional studies have not been reported for this variant. This variant has not been reported in individuals affected with BRCA2-related disorders in the literature. This variant has not been identified in the general population by the Genome Aggregation Database (gnomAD). The available evidence is insufficient to determine the role of this variant in disease conclusively. Therefore, this variant is classified as a Variant of Uncertain Significance.

This study involves interpretation of variants in research participants for the purpose of population health screening. Participant phenotype was not available at the time of variant classification. Additional details can be found in publication PMID: 35346344, PMCID: PMC8962531

Color Diagnostics, LLC DBA Color Health
Classification: Uncertain significance for Hereditary cancer-predisposing syndrome. Last evaluated: 2023-10-25. Review status: criteria provided, single submitter. Criteria: ACMG Guidelines, 2015. Collection method: clinical testing. Allele origin: germline.
Comment: This missense variant replaces threonine with serine at codon 1282 of the BRCA2 protein. Computational prediction suggests that this variant may not impact protein structure and function (internally defined REVEL score threshold <= 0.5, PMID: 27666373). To our knowledge, functional studies have not been reported for this variant. This variant has not been reported in individuals affected with BRCA2-related disorders in the literature. This variant has not been identified in the general population by the Genome Aggregation Database (gnomAD). The available evidence is insufficient to determine the role of this variant in disease conclusively. Therefore, this variant is classified as a Variant of Uncertain Significance.

Ambry Genetics
Classification: Uncertain significance for Hereditary cancer-predisposing syndrome. Last evaluated: 2023-10-20. Review status: criteria provided, single submitter. Criteria: Ambry Variant Classification Scheme 2023. Collection method: clinical testing. Allele origin: germline.
Comment: The p.T1282S variant (also known as c.3845C>G), located in coding exon 10 of the BRCA2 gene, results from a C to G substitution at nucleotide position 3845. The threonine at codon 1282 is replaced by serine, an amino acid with similar properties. This amino acid position is conserved. In addition, this alteration is predicted to be tolerated by in silico analysis. Since supporting evidence is limited at this time, the clinical significance of this alteration remains unclear.